The following is an entry in ClinVar:

ClinVar aggregate classification (germline): Uncertain significance (1 of 4 stars; one submission).

Conditions:
Inborn genetic diseases. Identifiers: MedGen C0950123, MeSH D030342.

Submission:

Ambry Genetics
Classification: Uncertain significance for Inborn genetic diseases. Last evaluated: 2024-12-20. Review status: criteria provided, single submitter. Criteria: Ambry Variant Classification Scheme 2023. Collection method: clinical testing. Allele origin: germline.
Comment: The p.H100Q variant (also known as c.300C>A), located in coding exon 1 of the SAMD9L gene, results from a C to A substitution at nucleotide position 300. The histidine at codon 100 is replaced by glutamine, an amino acid with highly similar properties. This amino acid position is conserved. In addition, this alteration is predicted to be tolerated by in silico analysis. Based on the available evidence, the clinical significance of this variant remains unclear.

NM_152703.5(SAMD9L):c.300C>A (p.His100Gln)

Gene: SAMD9L (sterile alpha motif domain containing 9 like; minus strand). Cytogenetic location: 7q21.2.
Variant type: single nucleotide variant.
Coding change: c.300C>A on transcript NM_152703.5 (MANE Select); coding-DNA position 300, C replaced by A.
Protein change: p.His100Gln; replaces histidine 100 with glutamine.
Molecular consequence: missense variant.
Genome position (GRCh38, 1-based): chr7:93,135,672, G>T on the plus strand (C>A on the coding strand, the complement: SAMD9L is on the minus strand). VCF-style: chr7-93135672-G-T. GRCh37 (hg19) VCF-style: chr7-92764985-G-T.
Other names: c.300C>A, p.His100Gln (NM_001303496.3, NM_001303497.3, NM_001303498.3 and 5 more transcripts); short protein forms H100Q.
Identifiers: ClinVar variation 3792239 (VCV003792239.1).